The following is an entry in ClinVar:

ClinVar aggregate classification (germline): Uncertain significance (1 of 4 stars; one submission).

Submission:

Labcorp Genetics (formerly Invitae), Labcorp
Classification: Uncertain significance. Last evaluated: 2023-09-21. Review status: criteria provided, single submitter. Criteria: Invitae Variant Classification Sherloc (09022015). Collection method: clinical testing. Allele origin: germline.
Comment: This sequence change replaces asparagine, which is neutral and polar, with aspartic acid, which is acidic and polar, at codon 71 of the CTNNA1 protein (p.Asn71Asp). This variant is not present in population databases (gnomAD no frequency). This variant has not been reported in the literature in individuals affected with CTNNA1-related conditions. Advanced modeling of protein sequence and biophysical properties (such as structural, functional, and spatial information, amino acid conservation, physicochemical variation, residue mobility, and thermodynamic stability) performed at Invitae indicates that this missense variant is not expected to disrupt CTNNA1 protein function. In summary, the available evidence is currently insufficient to determine the role of this variant in disease. Therefore, it has been classified as a Variant of Uncertain Significance.

NM_001903.5(CTNNA1):c.211A>G (p.Asn71Asp)

Gene: CTNNA1 (catenin alpha 1; plus strand). Cytogenetic location: 5q31.2.
Variant type: single nucleotide variant.
Coding change: c.211A>G on transcript NM_001903.5 (MANE Select); coding-DNA position 211, A replaced by G.
Protein change: p.Asn71Asp; replaces asparagine 71 with aspartic acid.
Molecular consequence: missense variant. On other transcripts: intron variant (2).
Genome position (GRCh38, 1-based): chr5:138,783,282, A>G. VCF-style: chr5-138783282-A-G. GRCh37 (hg19) VCF-style: chr5-138118971-A-G.
Other names: c.211A>G, p.Asn71Asp (NM_001290307.3, NM_001323982.2, NM_001323983.1 and 3 more transcripts); c.-6+10A>G (NM_001290310.3); c.-9+1253A>G (NM_001290309.3); short protein forms N71D.
Identifiers: ClinVar variation 2762359 (VCV002762359.3), dbSNP rs2532178792, ClinGen allele CA361477481.